The following is an entry in ClinVar:

NM_001368894.2(PAX6):c.1309T>A (p.Ter437Lys)

Genes: ELP4 (elongator acetyltransferase complex subunit 4; plus strand), PAX6 (paired box 6; minus strand). Cytogenetic location: 11p13.
Variant type: single nucleotide variant.
Coding change: c.1309T>A on transcript NM_001368894.2 (MANE Select); coding-DNA position 1309, T replaced by A.
Protein change: p.Ter437Lys.
Molecular consequence: stop lost. On other transcripts: 3 prime UTR variant (3), missense variant (9), non-coding transcript variant (2).
Genome position (GRCh38, 1-based): chr11:31,789,936, A>T on the plus strand (T>A on the coding strand, the complement: PAX6 is on the minus strand). VCF-style: chr11-31789936-A-T. GRCh37 (hg19) VCF-style: chr11-31811484-A-T.
Other names: *504K; *423K; *437K; *462K; *356K; *370K; *222K; *287K; and 18 more; short protein forms S372R, S387R, S319R, S236R, S386R.
Identifiers: ClinVar variation 676688 (VCV000676688.6), dbSNP rs750848278, ClinGen allele CA5933631.
Genomic context (GRCh38, chr11:31,789,936, plus strand): 5'-ATAGTCACTGACTGAATTAACACAATATTTCCTTTCCTTTTTTTTTTTTTTTTTTTTTTT[A>T]CTGTAATCTTGGCCAGTATTGAGACATATCAGGTTCACTTCCGGGAACTTGAACTGGAAC-3'

ClinVar aggregate classification (germline): Likely benign. Review status: criteria provided, single submitter (1 of 4 stars). 4 submissions from 4 submitters: Likely benign (1). 3 of the submissions do not count toward it. Last evaluated 2018-06-14.

Allele frequency attached by ClinVar (database versions not stated): ExAC 0.00006.

Submissions (4):

GeneDx
Classification: Likely benign. Last evaluated: 2018-06-14. Review status: criteria provided, single submitter. Criteria: GeneDx Variant Classification (06012015). Collection method: clinical testing. Allele origin: germline. Affected: yes.
Comment: This variant is considered likely benign or benign based on one or more of the following criteria: it is a conservative change, it occurs at a poorly conserved position in the protein, it is predicted to be benign by multiple in silico algorithms, and/or has population frequency not consistent with disease.

Clinical Genetics DNA and cytogenetics Diagnostics Lab, Erasmus MC, Erasmus Medical Center
Classification: Benign. Review status: no assertion criteria provided. Collection method: clinical testing. Allele origin: germline. Affected: yes. Study: VKGL Data-share Consensus. Not counted in ClinVar's aggregate classification.

Clinical Genetics, Academic Medical Center
Classification: Likely benign. Review status: no assertion criteria provided. Collection method: clinical testing. Allele origin: germline. Affected: yes. Study: VKGL Data-share Consensus. Not counted in ClinVar's aggregate classification.

Laboratory of Diagnostic Genome Analysis, Leiden University Medical Center (LUMC)
Classification: Likely benign. Review status: no assertion criteria provided. Collection method: clinical testing. Allele origin: germline. Affected: yes. Study: VKGL Data-share Consensus. Not counted in ClinVar's aggregate classification.